The following is an entry in ClinVar:

ClinVar aggregate classification (germline): Uncertain significance (1 of 4 stars; one submission).

Submission:

GeneDx
Classification: Uncertain significance. Last evaluated: 2023-09-01. Review status: criteria provided, single submitter. Criteria: GeneDx Variant Classification Process June 2021. Collection method: clinical testing. Allele origin: germline. Affected: yes.
Comment: Not observed at significant frequency in large population cohorts (gnomAD); In silico analysis supports a deleterious effect on splicing; This variant is associated with the following publications: (PMID: 22383692, 29270497, 23376035)

NM_000297.4(PKD2):c.1095-5A>G

Gene: PKD2 (polycystin 2, transient receptor potential cation channel; plus strand). Cytogenetic location: 4q22.1.
Variant type: single nucleotide variant.
Coding change: c.1095-5A>G on transcript NM_000297.4 (MANE Select); 5 bases into the intron before coding-DNA position 1095, A replaced by G.
Molecular consequence: intron variant.
Genome position (GRCh38, 1-based): chr4:88,043,228, A>G. VCF-style: chr4-88043228-A-G. GRCh37 (hg19) VCF-style: chr4-88964380-A-G.
Identifiers: ClinVar variation 3340688 (VCV003340688.1).
Genomic context (GRCh38, chr4:88,043,228, plus strand): 5'-CTTGTAATTGCCTCAAGTGTTCCACTGATTGTAACTGTTTGTTTTTTGGTTTTGTTTTTA[A>G]TCAGTTGGATCTACACAAGTGAAAAAGACTTGAATGGTAGTAGCCACTGGGGAATCATTG-3'